The following is an entry in ClinVar:

NM_002230.4(JUP):c.802G>A (p.Asp268Asn)

Gene: JUP (junction plakoglobin; minus strand). Cytogenetic location: 17q21.2.
Variant type: single nucleotide variant.
Coding change: c.802G>A on transcript NM_002230.4 (MANE Select); coding-DNA position 802, G replaced by A.
Protein change: p.Asp268Asn; replaces aspartic acid 268 with asparagine.
Molecular consequence: missense variant.
Genome position (GRCh38, 1-based): chr17:41,767,486, C>T on the plus strand (G>A on the coding strand, the complement: JUP is on the minus strand). VCF-style: chr17-41767486-C-T. GRCh37 (hg19) VCF-style: chr17-39923738-C-T.
Other names: p.D268N:GAC>AAC; c.802G>A, p.Asp268Asn (NM_001352773.2, NM_001352774.2, NM_001352775.2 and 3 more transcripts); short protein forms D268N.
Identifiers: ClinVar variation 201817 (VCV000201817.5), dbSNP rs794729039, ClinGen allele CA308491.

ClinVar aggregate classification (germline): Uncertain significance. Review status: criteria provided, multiple submitters, no conflicts (2 of 4 stars). 3 submissions from 3 submitters: Uncertain significance (3). Last evaluated 2026-01-27.

Conditions:
Cardiovascular phenotype. Identifiers: MedGen CN230736.
Arrhythmogenic right ventricular dysplasia 12. Also called: ARRHYTHMOGENIC RIGHT VENTRICULAR DYSPLASIA, FAMILIAL, 12. Identifiers: MedGen C1969081, MONDO:0012684, OMIM 611528.
Naxos disease (NXD). Also called: KERATOSIS PALMOPLANTARIS WITH ARRHYTHMOGENIC CARDIOMYOPATHY; MAL DE NAXOS; PALMOPLANTAR KERATODERMA WITH ARRHYTHMOGENIC RIGHT VENTRICULAR CARDIOMYOPATHY AND WOOLLY HAIR; WOOLLY HAIR, PALMOPLANTAR KERATODERMA, AND CARDIAC ABNORMALITIES; CARDIOMYOPATHY, ARRHYTHMOGENIC RIGHT VENTRICULAR, WITH SKIN, HAIR, AND NAIL ABNORMALITIES. Identifiers: Orphanet 34217, MedGen C1832600, MONDO:0011017, OMIM 601214.

Allele frequency attached by ClinVar (database versions not stated): gnomAD 0.00001; gnomAD exomes 0.00001; TOPMed 0.00002.
gnomAD v4.1: 7 of 1,610,572 alleles (0.00043%); highest among the groups gnomAD compares: Middle Eastern, 0.016%; no homozygotes.

Submissions (3):

Labcorp Genetics (formerly Invitae), Labcorp
Classification: Uncertain significance for Arrhythmogenic right ventricular dysplasia 12; Naxos disease. Last evaluated: 2026-01-27. Review status: criteria provided, single submitter. Criteria: Invitae Variant Classification Sherloc (09022015). Collection method: clinical testing. Allele origin: germline.
Comment: This sequence change replaces aspartic acid, which is acidic and polar, with asparagine, which is neutral and polar, at codon 268 of the JUP protein (p.Asp268Asn). This variant is present in population databases (rs794729039, gnomAD 0.005%). This variant has not been reported in the literature in individuals affected with JUP-related conditions. ClinVar contains an entry for this variant (Variation ID: 201817). An algorithm developed to predict the effect of missense changes on protein structure and function (PolyPhen-2) suggests that this variant is likely to be disruptive. In summary, the available evidence is currently insufficient to determine the role of this variant in disease. Therefore, it has been classified as a Variant of Uncertain Significance.

Ambry Genetics
Classification: Uncertain significance for Cardiovascular phenotype. Last evaluated: 2023-07-14. Review status: criteria provided, single submitter. Criteria: Ambry Variant Classification Scheme 2023. Collection method: clinical testing. Allele origin: germline.

GeneDx
Classification: Uncertain significance. Last evaluated: 2014-06-04. Review status: criteria provided, single submitter. Criteria: GeneDx Variant Classification (06012015). Collection method: clinical testing. Allele origin: germline. Affected: yes.
Comment: p.Asp268Asn (GAC>AAC): c.802 G>A in exon 5 of the JUP gene (NM_002230.2). The D268N variant has not been published as a mutation, nor has it been reported as a benign polymorphism to our knowledge. The D268N variant is a semi-conservative amino acid substitution, which may impact secondary protein structure as these residues differ in some properties. This substitution occurs at a position that is only conserved through mammals. Nevertheless, in silico analysis predicts this variant is probably damaging to the protein structure/function. Finally, the D268N variant was not observed in approximately 6,500 individuals of European and African American ancestry in the NHLBI Exome Sequencing Project, indicating it is not a common benign variant in these populations. The variant is found in CARDIOMYOPATHY panel(s).